The following is an entry in ClinVar:

NM_004380.3(CREBBP):c.2555C>A (p.Pro852Gln)

Gene: CREBBP (CREB binding lysine acetyltransferase; minus strand). Cytogenetic location: 16p13.3.
Variant type: single nucleotide variant.
Coding change: c.2555C>A on transcript NM_004380.3 (MANE Select); coding-DNA position 2555, C replaced by A.
Protein change: p.Pro852Gln; replaces proline 852 with glutamine.
Molecular consequence: missense variant.
Genome position (GRCh38, 1-based): chr16:3,770,895, G>T on the plus strand (C>A on the coding strand, the complement: CREBBP is on the minus strand). VCF-style: chr16-3770895-G-T. GRCh37 (hg19) VCF-style: chr16-3820896-G-T.
Other names: c.2441C>A, p.Pro814Gln (NM_001079846.1); short protein forms P814Q, P852Q.
Identifiers: ClinVar variation 3347877 (VCV003347877.1).

ClinVar aggregate classification (germline): Uncertain significance (0 of 4 stars; one submission).

Conditions:
CREBBP-related disorder. Also called: CREBBP-related condition; CREBBP-related disorders.

Submission:

PreventionGenetics, part of Exact Sciences
Classification: Uncertain significance for CREBBP-related condition. Last evaluated: 2024-09-11. Review status: no assertion criteria provided. Collection method: clinical testing. Allele origin: germline.
Comment: The CREBBP c.2555C>A variant is predicted to result in the amino acid substitution p.Pro852Gln. To our knowledge, this variant has not been reported in the literature or in a large population database, indicating this variant is rare. At this time, the clinical significance of this variant is uncertain due to the absence of conclusive functional and genetic evidence.